The following is an entry in ClinVar:

NM_015512.5(DNAH1):c.1664T>C (p.Met555Thr)

Gene: DNAH1 (dynein axonemal heavy chain 1; plus strand). Cytogenetic location: 3p21.1.
Variant type: single nucleotide variant.
Coding change: c.1664T>C on transcript NM_015512.5 (MANE Select); coding-DNA position 1664, T replaced by C.
Protein change: p.Met555Thr; replaces methionine 555 with threonine.
Molecular consequence: missense variant.
Genome position (GRCh38, 1-based): chr3:52,346,479, T>C. VCF-style: chr3-52346479-T-C. GRCh37 (hg19) VCF-style: chr3-52380495-T-C.
Other names: short protein forms M555T.
Identifiers: ClinVar variation 544620 (VCV000544620.4), dbSNP rs1553631684, ClinGen allele CA353092265.

ClinVar aggregate classification (germline): Uncertain significance (1 of 4 stars; one submission).

Conditions:
Spermatogenic failure 18. Identifiers: MedGen C4539783, MONDO:0054615, OMIM 617576.
Ciliary dyskinesia, primary, 37 (CILD37). Also called: CILIARY DYSKINESIA, PRIMARY, 37, WITH OR WITHOUT SITUS INVERSUS. Identifiers: MedGen C4539798, MONDO:0033204, OMIM 617577.

Submission:

Labcorp Genetics (formerly Invitae), Labcorp
Classification: Uncertain significance for Ciliary dyskinesia, primary, 37; Spermatogenic failure 18. Last evaluated: 2017-09-10. Review status: criteria provided, single submitter. Criteria: Invitae Variant Classification Sherloc (09022015). Collection method: clinical testing. Allele origin: germline.
Comment: In summary, the available evidence is currently insufficient to determine the role of this variant in disease. Therefore, it has been classified as a Variant of Uncertain Significance. Algorithms developed to predict the effect of missense changes on protein structure and function do not agree on the potential impact of this missense change (SIFT: "Tolerated"; PolyPhen-2: "Benign"; Align-GVGD: "Class C0"). This variant has not been reported in the literature in individuals with DNAH1-related disease. This variant is not present in population databases (ExAC no frequency). This sequence change replaces methionine with threonine at codon 555 of the DNAH1 protein (p.Met555Thr). The methionine residue is moderately conserved and there is a moderate physicochemical difference between methionine and threonine.